The following is an entry in ClinVar:

NM_007294.4(BRCA1):c.195G>C (p.Lys65Asn)

Gene: BRCA1 (BRCA1 DNA repair associated; minus strand). Cytogenetic location: 17q21.31.
Variant type: single nucleotide variant.
Coding change: c.195G>C on transcript NM_007294.4 (MANE Select); coding-DNA position 195, G replaced by C.
Protein change: p.Lys65Asn; replaces lysine 65 with asparagine.
Molecular consequence: missense variant.
Genome position (GRCh38, 1-based): chr17:43,106,473, C>G on the plus strand (G>C on the coding strand, the complement: BRCA1 is on the minus strand). VCF-style: chr17-43106473-C-G. GRCh37 (hg19) VCF-style: chr17-41258490-C-G.
Other names: c.195G>C, p.Lys65Asn (NM_001407581.1, NM_001407582.1, NM_001407583.1 and 168 more transcripts); c.54G>C, p.Lys18Asn (NM_001407692.1, NM_001407694.1, NM_001407695.1 and 99 more transcripts); short protein forms K18N, K65N.
Identifiers: ClinVar variation 868269 (VCV000868269.3), dbSNP rs2054775153, ClinGen allele CA10601779.

Conditions:
Breast-ovarian cancer, familial, susceptibility to, 1 (BROVCA1). Also called: BRCA1 Hereditary Breast and Ovarian Cancer; OVARIAN CANCER, SUSCEPTIBILITY TO. Identifiers: Orphanet 145, MedGen C2676676, MONDO:0011450, OMIM 604370. Disease mechanism: loss of function.

Submission:

Brotman Baty Institute, University of Washington
No classification provided (evidence only). Condition: Breast-ovarian cancer, familial 1. Review status: no classification provided. Collection method: in vitro. Allele origin: not applicable. Functional consequence: functionally_normal.
ClinVar note: "not provided" was previously submitted as the classification for the variant. However, the classification appeared to be based only on an observation of functional data so it was converted to no classification on 2025-07-30.